The following is an entry in ClinVar:

ClinVar aggregate classification (germline): Uncertain significance (1 of 4 stars; one submission).

Conditions:
Parathyroid carcinoma (PRTC). Also called: CDC73-Related Parathyroid Carcinoma; Parathyroid gland carcinoma. Identifiers: Orphanet 143, MedGen C0687150, MONDO:0012004, OMIM 608266, HP:0006780.

Submission:

Labcorp Genetics (formerly Invitae), Labcorp
Classification: Uncertain significance for Parathyroid carcinoma. Last evaluated: 2024-01-05. Review status: criteria provided, single submitter. Criteria: Invitae Variant Classification Sherloc (09022015). Collection method: clinical testing. Allele origin: germline.
Comment: This sequence change falls in intron 1 of the CDC73 gene. It does not directly change the encoded amino acid sequence of the CDC73 protein. Information on the frequency of this variant in the gnomAD database is not available, as this variant may be reported differently in the database. This variant has not been reported in the literature in individuals affected with CDC73-related conditions. Experimental studies and prediction algorithms are not available or were not evaluated, and the effect of this variant on mRNA splicing is currently unknown. In summary, the available evidence is currently insufficient to determine the role of this variant in disease. Therefore, it has been classified as a Variant of Uncertain Significance.

NM_024529.5(CDC73):c.131+11_131+12delinsAC

Gene: CDC73 (cell division cycle 73; plus strand). Cytogenetic location: 1q31.2.
Variant type: Indel.
Coding change: c.131+11_131+12delinsAC on transcript NM_024529.5 (MANE Select); bases 11 to 12 of the intron after coding-DNA position 131, CA replaced by AC.
Molecular consequence: intron variant.
Genome position (GRCh38, 1-based): chr1:193,122,342-193,122,343, CA replaced by AC. VCF-style: chr1-193122342-CA-AC. GRCh37 (hg19) VCF-style: chr1-193091472-CA-AC.
Identifiers: ClinVar variation 2707726 (VCV002707726.3), dbSNP rs2527281580, ClinGen allele CA2697554805.